The following is an entry in ClinVar:

ClinVar aggregate classification (germline): Pathogenic (1 of 4 stars; one submission).

Conditions:
Neurofibromatosis, type 1 (NF1). Also called: VON RECKLINGHAUSEN DISEASE; NEUROFIBROMATOSIS, TYPE I, SOMATIC; Neurofibromatosis, type I; Peripheral type neurofibromatosis. Identifiers: Orphanet 636, MedGen C0027831, MONDO:0018975, OMIM 162200. Disease mechanism: loss of function.

Submission:

Labcorp Genetics (formerly Invitae), Labcorp
Classification: Pathogenic for Neurofibromatosis, type 1. Last evaluated: 2023-02-10. Review status: criteria provided, single submitter. Criteria: Invitae Variant Classification Sherloc (09022015). Collection method: clinical testing. Allele origin: germline.
Comment: This sequence change creates a premature translational stop signal (p.Leu585Phefs*3) in the NF1 gene. It is expected to result in an absent or disrupted protein product. Loss-of-function variants in NF1 are known to be pathogenic (PMID: 10712197, 23913538). For these reasons, this variant has been classified as Pathogenic. This variant has not been reported in the literature in individuals affected with NF1-related conditions. This variant is not present in population databases (gnomAD no frequency).

Literature cited by the submitters: PubMed 10712197; PubMed 23913538.

NM_001042492.3(NF1):c.1754dup (p.Leu585fs)

Gene: NF1 (neurofibromin 1; plus strand). Cytogenetic location: 17q11.2.
Variant type: Duplication.
Coding change: c.1754dup on transcript NM_001042492.3 (MANE Select); coding-DNA position 1754, one base duplicated (T; older notation c.1754dupT).
Protein change: p.Leu585fs; shifts the reading frame from leucine 585.
Molecular consequence: frameshift variant.
Genome position (GRCh38, 1-based): chr17:31,223,476, T duplicated; the last of 2 consecutive T bases (chr17:31,223,475-31,223,476); duplicating either gives the same sequence. VCF-style (leftmost placement, unchanged base first): chr17-31223474-A-AT. GRCh37 (hg19) VCF-style: chr17-29550492-A-AT.
Other names: c.1754dup, p.Leu585Phefs (NM_000267.4); short protein forms L585fs.
Identifiers: ClinVar variation 2836003 (VCV002836003.3), dbSNP rs2508125114, ClinGen allele CA2739267500.